The following is an entry in ClinVar:

ClinVar aggregate classification (germline): Pathogenic. Review status: criteria provided, multiple submitters, no conflicts (2 of 4 stars). 4 submissions from 4 submitters: Pathogenic (4). Last evaluated 2026-06-30.

Conditions:
PHEX-related disorder. Also called: PHEX-related condition.
Familial X-linked hypophosphatemic vitamin D refractory rickets (XLHRD). Also called: X-Linked Hypophosphatemia; HYPOPHOSPHATEMIC VITAMIN D-RESISTANT RICKETS; Hypophosphatemic Rickets, X-Linked Dominant; Hypophosphatemia, vitamin D-resistant rickets; Vitamin D-resistant rickets, X-linked. Identifiers: Orphanet 89936, MedGen C0733682, MONDO:0010619, OMIM 307800.

Submissions (4):

PreventionGenetics, part of Exact Sciences
Classification: Pathogenic for PHEX-related condition. Last evaluated: 2026-06-30. Review status: criteria provided, single submitter. Criteria: ACMG Guidelines, 2015. Collection method: clinical testing. Allele origin: germline.
Comment: The PHEX c.1775_1778dupAATA variant is predicted to result in premature protein termination (p.Tyr593*). This variant, sometimes described as c.1775_1778dup, c.1776_1778dup, c.1779T>A, or c.1779T>G, which all result in p.Tyr593*, has been reported in multiple individuals with X-linked hypophosphatemic rickets (Quinlan et al. 2012. PubMed ID: 22101457; Chesher et al. 2018. PubMed ID: 29460029; Zheng et al. 2020. PubMed ID: 32329911; Lin et al. 2020. PubMed ID: 32253725; Internal Data, PreventionGenetics). This variant has not been reported in a large population database (gnomAD), indicating this variant is rare and is interpreted as pathogenic in ClinVar (Variation ID: 438524). Nonsense variants in PHEX are expected to be pathogenic. This variant is interpreted as pathogenic.

Labcorp Genetics (formerly Invitae), Labcorp
Classification: Pathogenic. Last evaluated: 2024-03-07. Review status: criteria provided, single submitter. Criteria: Invitae Variant Classification Sherloc (09022015). Collection method: clinical testing. Allele origin: germline.
Comment: This sequence change creates a premature translational stop signal (p.Tyr593*) in the PHEX gene. It is expected to result in an absent or disrupted protein product. Loss-of-function variants in PHEX are known to be pathogenic (PMID: 9097956, 9106524, 19219621). This variant is not present in population databases (gnomAD no frequency). This premature translational stop signal has been observed in individuals with hypophosphatemic rickets (PMID: 22101457, 32329911). ClinVar contains an entry for this variant (Variation ID: 438524). For these reasons, this variant has been classified as Pathogenic.

Mendelics
Classification: Pathogenic for Familial X-linked hypophosphatemic vitamin D refractory rickets. Last evaluated: 2022-05-04. Review status: criteria provided, single submitter. Criteria: Mendelics Assertion Criteria 2019. Collection method: clinical testing. Allele origin: germline.

Institute of Human Genetics Munich, TUM University Hospital
Classification: Pathogenic for Familial X-linked hypophosphatemic vitamin D refractory rickets. Last evaluated: 2017-08-31. Review status: criteria provided, single submitter. Criteria: Classification criteria August 2017. Collection method: clinical testing. Allele origin: germline. Inheritance: X-linked inheritance. Affected: yes. Observed: 1 heterozygote.

Literature cited by the submitters: PubMed 9097956 (cited by Labcorp Genetics (formerly Invitae), Labcorp); PubMed 9106524 (cited by Labcorp Genetics (formerly Invitae), Labcorp); PubMed 19219621 (cited by Labcorp Genetics (formerly Invitae), Labcorp); PubMed 22101457 (cited by Labcorp Genetics (formerly Invitae), Labcorp); PubMed 32329911 (cited by Labcorp Genetics (formerly Invitae), Labcorp).

NM_000444.6(PHEX):c.1775_1778dup (p.Tyr593Ter)

Genes: PHEX (phosphate regulating endopeptidase X-linked; plus strand), PTCHD1-AS (PTCHD1 and PHEX antisense RNA; minus strand). Cytogenetic location: Xp22.11.
Variant type: Duplication.
Coding change: c.1775_1778dup on transcript NM_000444.6 (MANE Select); coding-DNA positions 1775 to 1778, 4 bases duplicated (AATA; older notation c.1775_1778dupAATA).
Protein change: p.Tyr593Ter; replaces tyrosine 593 with a stop codon.
Molecular consequence: nonsense.
Genome position (GRCh38, 1-based): chrX:22,221,619-22,221,622, AATA duplicated; duplicating any 4 consecutive bases within chrX:22,221,618-22,221,622 gives the same sequence; the c. name uses the placement nearest the transcript's 3' end. VCF-style (leftmost placement, unchanged base first): chrX-22221617-A-AAAAT. GRCh37 (hg19) VCF-style: chrX-22239734-A-AAAAT.
Other names: c.1775_1778dup, p.Tyr593Ter (NM_001282754.2); c.1775_1778dupAATA (NM_000444.5); short protein forms Y593*.
Identifiers: ClinVar variation 438524 (VCV000438524.9), dbSNP rs1556138407, ClinGen allele CA645509391.